The following is an entry in ClinVar:

ClinVar aggregate classification (germline): Uncertain significance (1 of 4 stars; one submission).

Conditions:
Immunodeficiency 14 (IMD14A). Also called: p110-DELTA-ACTIVATING MUTATION CAUSING SENESCENT T CELLS, LYMPHADENOPATHY, AND IMMUNODEFICIENCY; IMMUNODEFICIENCY 14A WITH LYMPHOPROLIFERATION, AUTOSOMAL DOMINANT; ACTIVATED PI3K-DELTA SYNDROME 1; Activated PI3K Delta Syndrome Type 1 (APDS1). Identifiers: Orphanet 397596, Orphanet 693661, MedGen C5907821, MONDO:0014222, OMIM 615513.

Allele frequency attached by ClinVar (database versions not stated): gnomAD exomes below 0.00001; TOPMed below 0.00001.

Submission:

Labcorp Genetics (formerly Invitae), Labcorp
Classification: Uncertain significance for Activated PI3K-delta syndrome. Last evaluated: 2024-04-10. Review status: criteria provided, single submitter. Criteria: Invitae Variant Classification Sherloc (09022015). Collection method: clinical testing. Allele origin: germline.
Comment: This sequence change replaces isoleucine, which is neutral and non-polar, with valine, which is neutral and non-polar, at codon 325 of the PIK3CD protein (p.Ile325Val). This variant is not present in population databases (gnomAD no frequency). This variant has not been reported in the literature in individuals affected with PIK3CD-related conditions. Advanced modeling of protein sequence and biophysical properties (such as structural, functional, and spatial information, amino acid conservation, physicochemical variation, residue mobility, and thermodynamic stability) performed at Invitae indicates that this missense variant is not expected to disrupt PIK3CD protein function with a negative predictive value of 80%. In summary, the available evidence is currently insufficient to determine the role of this variant in disease. Therefore, it has been classified as a Variant of Uncertain Significance.

NM_005026.5(PIK3CD):c.973A>G (p.Ile325Val)

Gene: PIK3CD (phosphatidylinositol-4,5-bisphosphate 3-kinase catalytic subunit delta; plus strand). Cytogenetic location: 1p36.22.
Variant type: single nucleotide variant.
Coding change: c.973A>G on transcript NM_005026.5 (MANE Select); coding-DNA position 973, A replaced by G.
Protein change: p.Ile325Val; replaces isoleucine 325 with valine.
Molecular consequence: missense variant.
Genome position (GRCh38, 1-based): chr1:9,717,579, A>G. VCF-style: chr1-9717579-A-G. GRCh37 (hg19) VCF-style: chr1-9777637-A-G.
Other names: c.973A>G, p.Ile325Val (NM_001350234.2); c.886A>G, p.Ile296Val (NM_001350235.1); short protein forms I296V, I325V.
Identifiers: ClinVar variation 2722183 (VCV002722183.3), dbSNP rs1557663489, ClinGen allele CA338301808.